The following is an entry in ClinVar:

NM_024422.6(DSC2):c.1571C>T (p.Thr524Ile)

Gene: DSC2 (desmocollin 2; minus strand). Cytogenetic location: 18q12.1.
Variant type: single nucleotide variant.
Coding change: c.1571C>T on transcript NM_024422.6 (MANE Select); coding-DNA position 1571, C replaced by T.
Protein change: p.Thr524Ile; replaces threonine 524 with isoleucine.
Molecular consequence: missense variant.
Genome position (GRCh38, 1-based): chr18:31,079,939, G>A on the plus strand (C>T on the coding strand, the complement: DSC2 is on the minus strand). VCF-style: chr18-31079939-G-A. GRCh37 (hg19) VCF-style: chr18-28659905-G-A.
Other names: c.1571C>T (NM_024422.3); c.1142C>T, p.Thr381Ile (NM_001406506.1, NM_001406507.1); c.1571C>T, p.Thr524Ile (NM_004949.5); short protein forms T381I, T524I.
Identifiers: ClinVar variation 3712342 (VCV003712342.3).

ClinVar aggregate classification (germline): Uncertain significance. Review status: criteria provided, multiple submitters, no conflicts (2 of 4 stars). 2 submissions from 2 submitters: Uncertain significance (2). Last evaluated 2026-07-06.

Conditions:
Arrhythmogenic right ventricular dysplasia 11. Also called: Arrhythmogenic right ventricular dysplasia 11 with mild palmoplantar keratoderma and woolly hair; Arrhythmogenic Right Ventricular Dysplasia/Cardiomyopathy11; ARRHYTHMOGENIC RIGHT VENTRICULAR DYSPLASIA, FAMILIAL, 11. Identifiers: MedGen C1864850, MONDO:0012506, OMIM 610476.
Cardiovascular phenotype. Identifiers: MedGen CN230736.

gnomAD v4.1: 1 of 1,613,866 alleles (0.000062%); highest among the groups gnomAD compares: Non-Finnish European, 0.000085%; no homozygotes.

Submissions (2):

Ambry Genetics
Classification: Uncertain significance for Cardiovascular phenotype. Last evaluated: 2026-07-06. Review status: criteria provided, single submitter. Criteria: Ambry Variant Classification Scheme 2023. Collection method: clinical testing. Allele origin: germline.
Comment: The p.T524I variant (also known as c.1571C>T), located in coding exon 11 of the DSC2 gene, results from a C to T substitution at nucleotide position 1571. The threonine at codon 524 is replaced by isoleucine, an amino acid with similar properties. This amino acid position is conserved. In addition, this alteration is predicted to be tolerated by in silico analysis. Based on the available evidence, the clinical significance of this variant remains unclear.

Labcorp Genetics (formerly Invitae), Labcorp
Classification: Uncertain significance for Arrhythmogenic right ventricular dysplasia 11. Last evaluated: 2025-01-29. Review status: criteria provided, single submitter. Criteria: Invitae Variant Classification Sherloc (09022015). Collection method: clinical testing. Allele origin: germline.
Comment: This sequence change replaces threonine, which is neutral and polar, with isoleucine, which is neutral and non-polar, at codon 524 of the DSC2 protein (p.Thr524Ile). This variant is not present in population databases (gnomAD no frequency). This variant has not been reported in the literature in individuals affected with DSC2-related conditions. Invitae Evidence Modeling of protein sequence and biophysical properties (such as structural, functional, and spatial information, amino acid conservation, physicochemical variation, residue mobility, and thermodynamic stability) indicates that this missense variant is not expected to disrupt DSC2 protein function with a negative predictive value of 80%. In summary, the available evidence is currently insufficient to determine the role of this variant in disease. Therefore, it has been classified as a Variant of Uncertain Significance.